The following is an entry in ClinVar:

ClinVar aggregate classification (germline): Likely benign. Review status: criteria provided, multiple submitters, no conflicts (2 of 4 stars). 2 submissions from 2 submitters: Likely benign (2). Last evaluated 2023-02-21.

Conditions:
Hereditary cancer-predisposing syndrome. Also called: Neoplastic Syndromes, Hereditary; Tumor predisposition; Hereditary Cancer Syndrome; Hereditary neoplastic syndrome. Identifiers: Orphanet 140162, MedGen C0027672, MeSH D009386, MONDO:0015356.

Submissions (2):

Women's Health and Genetics/Laboratory Corporation of America, LabCorp
Classification: Likely benign. Last evaluated: 2023-02-21. Review status: criteria provided, single submitter. Criteria: LabCorp Variant Classification Summary - May 2015. Collection method: clinical testing. Allele origin: germline.
Comment: Variant summary: BRCA2 c.7713A>G alters a non-conserved nucleotide resulting in a synonymous change. 4/4 computational tools predict no significant impact on normal splicing. However, these predictions have yet to be confirmed by functional studies. The variant was absent in 251382 control chromosomes. The available data on variant occurrences in the general population are insufficient to allow any conclusion about variant significance. To our knowledge, no occurrence of c.7713A>G in individuals affected with Hereditary Breast And Ovarian Cancer Syndrome and no experimental evidence demonstrating its impact on protein function have been reported. A co-occurrence with a pathogenic variant has been reported via internal testing (BRCA2 c.5576_5579delTTAA, p.Ile1859Lysfs*3), providing supporting evidence for a benign role. One clinical diagnostic laboratory has submitted clinical-significance assessments for this variant to ClinVar after 2014 and classified the variant as likely benign. Based on the evidence outlined above, the variant was classified as likely benign.

Ambry Genetics
Classification: Likely benign for Hereditary cancer-predisposing syndrome. Last evaluated: 2021-01-12. Review status: criteria provided, single submitter. Criteria: Ambry Variant Classification Scheme 2023. Collection method: clinical testing. Allele origin: germline.

NM_000059.4(BRCA2):c.7713A>G (p.Glu2571=)

Gene: BRCA2 (BRCA2 DNA repair associated; plus strand). Cytogenetic location: 13q13.1.
Variant type: single nucleotide variant.
Coding change: c.7713A>G on transcript NM_000059.4 (MANE Select); coding-DNA position 7713, A replaced by G.
Protein change: p.Glu2571=; no amino-acid change (glutamic acid 2571 retained).
Molecular consequence: synonymous variant. On other transcripts: non-coding transcript variant (1).
Genome position (GRCh38, 1-based): chr13:32,357,837, A>G. VCF-style: chr13-32357837-A-G. GRCh37 (hg19) VCF-style: chr13-32931974-A-G.
Other names: c.2781A>G, p.Glu927= (NM_001406721.1); c.1296A>G, p.Glu432= (NM_001406722.1); c.7617A>G, p.Glu2539= (NM_001406719.1); c.7713A>G, p.Glu2571= (NM_001406720.1).
Identifiers: ClinVar variation 1760279 (VCV001760279.3), dbSNP rs2548542607, ClinGen allele CA483439202.